The following is an entry in ClinVar:

NM_003803.4(MYOM1):c.1517T>C (p.Ile506Thr)

Gene: MYOM1 (myomesin 1; minus strand). Cytogenetic location: 18p11.31.
Variant type: single nucleotide variant.
Coding change: c.1517T>C on transcript NM_003803.4 (MANE Select); coding-DNA position 1517, T replaced by C.
Protein change: p.Ile506Thr; replaces isoleucine 506 with threonine.
Molecular consequence: missense variant.
Genome position (GRCh38, 1-based): chr18:3,155,073, A>G on the plus strand (T>C on the coding strand, the complement: MYOM1 is on the minus strand). VCF-style: chr18-3155073-A-G. GRCh37 (hg19) VCF-style: chr18-3155071-A-G.
Other names: c.1517T>C, p.Ile506Thr (NM_019856.2); short protein forms I506T.
Identifiers: ClinVar variation 4740318 (VCV004740318.1).

ClinVar aggregate classification (germline): Uncertain significance (1 of 4 stars; one submission).

Conditions:
Hypertrophic cardiomyopathy. Also called: HYPERTROPHIC MYOCARDIOPATHY. Identifiers: Orphanet 217569, MedGen C0007194, MeSH D002312, MONDO:0005045, HP:0001639.

gnomAD v4.1: 2 of 1,612,452 alleles (0.00012%); highest among the groups gnomAD compares: Non-Finnish European, 0.00017%; no homozygotes.

Submission:

Labcorp Genetics (formerly Invitae), Labcorp
Classification: Uncertain significance for Hypertrophic cardiomyopathy. Last evaluated: 2025-02-19. Review status: criteria provided, single submitter. Criteria: Invitae Variant Classification Sherloc (09022015). Collection method: clinical testing. Allele origin: germline.
Comment: This sequence change replaces isoleucine, which is neutral and non-polar, with threonine, which is neutral and polar, at codon 506 of the MYOM1 protein (p.Ile506Thr). This variant is not present in population databases (gnomAD no frequency). This variant has not been reported in the literature in individuals affected with MYOM1-related conditions. Invitae Evidence Modeling of protein sequence and biophysical properties (such as structural, functional, and spatial information, amino acid conservation, physicochemical variation, residue mobility, and thermodynamic stability) indicates that this missense variant is not expected to disrupt MYOM1 protein function with a negative predictive value of 80%. In summary, the available evidence is currently insufficient to determine the role of this variant in disease. Therefore, it has been classified as a Variant of Uncertain Significance.